The following is an entry in ClinVar:

ClinVar aggregate classification (germline): Uncertain significance (1 of 4 stars; one submission).

Conditions:
Glycogen storage disease, type V (GSD5). Also called: MCARDLE DISEASE; MUSCLE GLYCOGEN PHOSPHORYLASE DEFICIENCY; MYOPHOSPHORYLASE DEFICIENCY; PYGM DEFICIENCY; McArdle type glycogen storage disease. Identifiers: Orphanet 368, MedGen C0017924, MONDO:0009293, OMIM 232600.

Allele frequency attached by ClinVar (database versions not stated): TOPMed below 0.00001; ExAC 0.00001; gnomAD 0.00001; gnomAD exomes 0.00001.
gnomAD v4.1: 14 of 1,614,090 alleles (0.00087%); highest among the groups gnomAD compares: Admixed American, 0.005%; no homozygotes.

Submission:

Labcorp Genetics (formerly Invitae), Labcorp
Classification: Uncertain significance for Glycogen storage disease, type V. Last evaluated: 2023-12-09. Review status: criteria provided, single submitter. Criteria: Invitae Variant Classification Sherloc (09022015). Collection method: clinical testing. Allele origin: germline.
Comment: This sequence change replaces arginine, which is basic and polar, with cysteine, which is neutral and slightly polar, at codon 44 of the PYGM protein (p.Arg44Cys). This variant is present in population databases (rs763488434, gnomAD 0.006%). This variant has not been reported in the literature in individuals affected with PYGM-related conditions. Advanced modeling of protein sequence and biophysical properties (such as structural, functional, and spatial information, amino acid conservation, physicochemical variation, residue mobility, and thermodynamic stability) performed at Invitae indicates that this missense variant is expected to disrupt PYGM protein function with a positive predictive value of 80%. In summary, the available evidence is currently insufficient to determine the role of this variant in disease. Therefore, it has been classified as a Variant of Uncertain Significance.

NM_005609.4(PYGM):c.130C>T (p.Arg44Cys)

Gene: PYGM (glycogen phosphorylase, muscle associated; minus strand). Cytogenetic location: 11q13.1.
Variant type: single nucleotide variant.
Coding change: c.130C>T on transcript NM_005609.4 (MANE Select); coding-DNA position 130, C replaced by T.
Protein change: p.Arg44Cys; replaces arginine 44 with cysteine.
Molecular consequence: missense variant.
Genome position (GRCh38, 1-based): chr11:64,759,769, G>A on the plus strand (C>T on the coding strand, the complement: PYGM is on the minus strand). VCF-style: chr11-64759769-G-A. GRCh37 (hg19) VCF-style: chr11-64527241-G-A.
Other names: c.130C>T, p.Arg44Cys (NM_001164716.1); short protein forms R44C.
Identifiers: ClinVar variation 2913396 (VCV002913396.2), dbSNP rs763488434, ClinGen allele CA6080366.
Genomic context (GRCh38, chr11:64,759,769, plus strand): 5'-GGTGGTCGCGCACGGTATGGGCCAGAGCAAAGTAGTAGTCTCGTGGGGTGGCCACATTGC[G>A]GTCCTTTACGAGTGTGAAATGCAGGTGCCGGTTGAAGTTCTTTTTCAGCTCAGTCACGTT-3'
Protein context (NP_005600.1, residues 34-54): RHLHFTLVKD[Arg44Cys]NVATPRDYYF